The following is an entry in ClinVar:

ClinVar aggregate classification (germline): Uncertain significance (1 of 4 stars; one submission).

Conditions:
Developmental and epileptic encephalopathy 94 (DEE94). Also called: Epileptic encephalopathy, childhood-onset; CHD2-Related Neurodevelopmental Disorders. Identifiers: Orphanet 1942, Orphanet 2382, MedGen C3809278, MONDO:0014150, OMIM 615369.

Submission:

Labcorp Genetics (formerly Invitae), Labcorp
Classification: Uncertain significance for Developmental and epileptic encephalopathy 94. Last evaluated: 2021-08-02. Review status: criteria provided, single submitter. Criteria: Invitae Variant Classification Sherloc (09022015). Collection method: clinical testing. Allele origin: germline.
Comment: This variant results in a copy number gain of the genomic region encompassing exon(s) 17-39 of the CHD2 gene. This region includes the termination codon of the gene. This copy number gain extends beyond the assayed region for this gene and therefore may encompass additional genes. As the precise location of this event is unknown, it may be in tandem or it may be located elsewhere in the genome. This variant has not been reported in the literature in individuals affected with CHD2-related conditions. In summary, the available evidence is currently insufficient to determine the role of this variant in disease. Therefore, it has been classified as a Variant of Uncertain Significance.

NC_000015.9:g.(?_93510535)_(93567935_?)dup

Gene: CHD2 (chromodomain helicase DNA binding protein 2; plus strand). Cytogenetic location: 15q26.1.
Variant type: Duplication.
Identifiers: ClinVar variation 1410384 (VCV001410384.5).